The following is an entry in ClinVar:

ClinVar aggregate classification (germline): Uncertain significance (1 of 4 stars; one submission).

Allele frequency attached by ClinVar (database versions not stated): gnomAD exomes below 0.00001 and 0.00001.
gnomAD v4.1: 3 of 1,613,894 alleles (0.00019%); highest among the groups gnomAD compares: Non-Finnish European, 0.00025%; no homozygotes.

Submission:

Labcorp Genetics (formerly Invitae), Labcorp
Classification: Uncertain significance. Last evaluated: 2020-01-23. Review status: criteria provided, single submitter. Criteria: Invitae Variant Classification Sherloc (09022015). Collection method: clinical testing. Allele origin: germline.
Comment: Algorithms developed to predict the effect of missense changes on protein structure and function are either unavailable or do not agree on the potential impact of this missense change (SIFT: "Deleterious"; PolyPhen-2: "Possibly Damaging"; Align-GVGD: "Class C0"). In summary, the available evidence is currently insufficient to determine the role of this variant in disease. Therefore, it has been classified as a Variant of Uncertain Significance. This variant has not been reported in the literature in individuals with RP1-related conditions. This sequence change replaces leucine with histidine at codon 696 of the RP1 protein (p.Leu696His). The leucine residue is weakly conserved and there is a moderate physicochemical difference between leucine and histidine. This variant is not present in population databases (ExAC no frequency).

NM_006269.2(RP1):c.2087T>A (p.Leu696His)

Gene: RP1 (RP1 axonemal microtubule associated; plus strand). Cytogenetic location: 8q12.1.
Variant type: single nucleotide variant.
Coding change: c.2087T>A on transcript NM_006269.2 (MANE Select); coding-DNA position 2087, T replaced by A.
Protein change: p.Leu696His; replaces leucine 696 with histidine.
Molecular consequence: missense variant. On other transcripts: intron variant (1).
Genome position (GRCh38, 1-based): chr8:54,625,969, T>A. VCF-style: chr8-54625969-T-A. GRCh37 (hg19) VCF-style: chr8-55538529-T-A.
Other names: c.787+3681T>A (NM_001375654.1); short protein forms L696H.
Identifiers: ClinVar variation 1055047 (VCV001055047.9), dbSNP rs1467620845, ClinGen allele CA370992700.